The following is an entry in ClinVar:

ClinVar aggregate classification (germline): Likely pathogenic. Review status: reviewed by expert panel (3 of 4 stars). 2 submissions from 2 submitters: Likely pathogenic (1). 1 of the submissions does not count toward it. Last evaluated 2022-12-09.

Conditions:
Phenylketonuria (PKU). Also called: Phenylketonuria (PKU); FOLLING DISEASE; OLIGOPHRENIA PHENYLPYRUVICA; Phenylketonurias. Identifiers: Orphanet 716, MedGen C0031485, MONDO:0009861, OMIM 261600. Disease mechanism: loss of function.

Submissions (2):

ClinGen PAH Variant Curation Expert Panel
Classification: Likely pathogenic for Phenylketonuria. Last evaluated: 2022-12-09. Review status: reviewed by expert panel. Criteria: ClinGen PAH ACMG Specifications v1. Collection method: curation. Allele origin: germline. Inheritance: Autosomal recessive inheritance.
Comment: This c.163_165del (p.Phe55del) variant in PAH was detected in trans with the c.168+5G>C and p.Phe39Leu pathogenic variants in multiple individuals with PKU (PMID:28676969, 17513426). This variant is absent in population databases. This in-frame variant is not found in a repetitive region and does not cause a stop-loss. In summary, this variant meets criteria to be classified as likely pathogenic for PAH. PAH-specific ACMG/AMP criteria applied: PM2, PM3, PP4, PM4

DeBelle Laboratory for Biochemical Genetics, MUHC/MCH RESEARCH INSTITUTE
No classification provided. Review status: no classification provided. Collection method: not provided. Allele origin: not provided. Not counted in ClinVar's aggregate classification.

NM_000277.3(PAH):c.163_165del (p.Phe55del)

Gene: PAH (phenylalanine hydroxylase; minus strand). Cytogenetic location: 12q23.2.
Variant type: Deletion.
Coding change: c.163_165del on transcript NM_000277.3 (MANE Select); coding-DNA positions 163 to 165, 3 bases deleted (TTT; older notation c.163_165delTTT).
Protein change: p.Phe55del; deletes phenylalanine 55.
Molecular consequence: inframe deletion.
Genome position (GRCh38, 1-based): chr12:102,912,794-102,912,796, AAA deleted on the plus strand (TTT on the coding strand, the reverse complement: PAH is on the minus strand). VCF-style (leftmost placement, unchanged base first): chr12-102912793-CAAA-C. GRCh37 (hg19) VCF-style: chr12-103306571-CAAA-C.
Other names: NM_000277.3(PAH):c.163_165del; p.Phe55del; c.163_165del, p.Phe55del (NM_001354304.2); short protein forms F55del.
Identifiers: ClinVar variation 102603 (VCV000102603.2), dbSNP rs199475631, ClinGen allele CA229450.